The following is an entry in ClinVar:

ClinVar aggregate classification (germline): Pathogenic/Likely pathogenic. Review status: criteria provided, multiple submitters, no conflicts (2 of 4 stars). 2 submissions from 2 submitters: Pathogenic (1); Likely pathogenic (1). Last evaluated 2023-08-25.

Conditions:
Fanconi anemia (FA). Also called: Fanconi's anemia. Identifiers: Orphanet 84, MedGen C0015625, MeSH D005199, MONDO:0019391.
Fanconi anemia complementation group L (FANCL). Also called: FANCL-Related Fanconi Anemia. Identifiers: Orphanet 84, MedGen C3469528, MONDO:0013566, OMIM 614083.

Submissions (2):

Baylor Genetics
Classification: Likely pathogenic for Fanconi anemia complementation group L. Last evaluated: 2023-08-25. Review status: criteria provided, single submitter. Criteria: ACMG Guidelines, 2015. Collection method: clinical testing. Allele origin: unknown.

Labcorp Genetics (formerly Invitae), Labcorp
Classification: Pathogenic for Fanconi anemia. Last evaluated: 2023-05-23. Review status: criteria provided, single submitter. Criteria: Invitae Variant Classification Sherloc (09022015). Collection method: clinical testing. Allele origin: germline.
Comment: For these reasons, this variant has been classified as Pathogenic. This variant has not been reported in the literature in individuals affected with FANCL-related conditions. This variant is not present in population databases (gnomAD no frequency). This sequence change creates a premature translational stop signal (p.Trp274*) in the FANCL gene. It is expected to result in an absent or disrupted protein product. Loss-of-function variants in FANCL are known to be pathogenic (PMID: 19405097, 23613520).

Literature cited by the submitters: PubMed 19405097 (cited by Labcorp Genetics (formerly Invitae), Labcorp); PubMed 23613520 (cited by Labcorp Genetics (formerly Invitae), Labcorp).

NM_018062.4(FANCL):c.822G>A (p.Trp274Ter)

Gene: FANCL (FA complementation group L; minus strand). Cytogenetic location: 2p16.1.
Variant type: single nucleotide variant.
Coding change: c.822G>A on transcript NM_018062.4 (MANE Select); coding-DNA position 822, G replaced by A.
Protein change: p.Trp274Ter; replaces tryptophan 274 with a stop codon.
Molecular consequence: nonsense.
Genome position (GRCh38, 1-based): chr2:58,162,947, C>T on the plus strand (G>A on the coding strand, the complement: FANCL is on the minus strand). VCF-style: chr2-58162947-C-T. GRCh37 (hg19) VCF-style: chr2-58390082-C-T.
Other names: c.837G>A, p.Trp279Ter (NM_001114636.2); c.867G>A, p.Trp289Ter (NM_001374615.1); c.882G>A, p.Trp294Ter (NM_001410792.1); short protein forms W274*, W279*, W289*, W294*.
Identifiers: ClinVar variation 2675660 (VCV002675660.4), dbSNP rs2104795249, ClinGen allele CA346935485.